The following is an entry in ClinVar:

ClinVar aggregate classification (germline): Pathogenic (1 of 4 stars; one submission).

Submission:

Labcorp Genetics (formerly Invitae), Labcorp
Classification: Pathogenic. Last evaluated: 2021-12-24. Review status: criteria provided, single submitter. Criteria: Invitae Variant Classification Sherloc (09022015). Collection method: clinical testing. Allele origin: germline.
Comment: For these reasons, this variant has been classified as Pathogenic. This variant has not been reported in the literature in individuals affected with CPLANE1-related conditions. This variant is a gross deletion of the genomic region encompassing exon(s) 9-19 of the CPLANE1 gene. This deletion is out-of-frame, and is expected to create a premature termination codon and result in an absent or disrupted protein product. Loss-of-function variants in CPLANE1 are known to be pathogenic (PMID: 24178751, 26092869).

Literature cited by the submitters: PubMed 24178751; PubMed 26092869.

NC_000005.9:g.(?_37201673)_(37231171_?)dup

Gene: CPLANE1 (ciliogenesis and planar polarity effector complex subunit 1; minus strand). Cytogenetic location: 5p13.2.
Variant type: Duplication.
Identifiers: ClinVar variation 2426794 (VCV002426794.4).